The following is an entry in ClinVar:

NM_001113378.2(FANCI):c.2889+2T>C

Gene: FANCI (FA complementation group I; plus strand). Cytogenetic location: 15q26.1.
Variant type: single nucleotide variant.
Coding change: c.2889+2T>C on transcript NM_001113378.2 (MANE Select); the canonical splice donor site of the intron after coding-DNA position 2889, T replaced by C.
Molecular consequence: splice donor variant.
Genome position (GRCh38, 1-based): chr15:89,300,387, T>C. VCF-style: chr15-89300387-T-C. GRCh37 (hg19) VCF-style: chr15-89843618-T-C.
Other names: c.2709+2T>C (NM_018193.3); c.2889+2T>C (NM_001376911.1); c.2610+2T>C (NM_001376910.1).
Identifiers: ClinVar variation 2884315 (VCV002884315.3), dbSNP rs1357692627, ClinGen allele CA393737554.
Genomic context (GRCh38, chr15:89,300,387, plus strand): 5'-GAGAAGATGCAGATGTCAGTGTCACTCAGAGAACAGCATTCCAGATCCGGCAATTTCAGG[T>C]GAGAAGCCTTGCAAAGCTGCTGTACTGGCCTGAGAGGCTTTGCAAAGGAACTGTTAGCAG-3'

ClinVar aggregate classification (germline): Likely pathogenic (1 of 4 stars; one submission).

Conditions:
Fanconi anemia (FA). Also called: Fanconi's anemia. Identifiers: Orphanet 84, MedGen C0015625, MeSH D005199, MONDO:0019391.

gnomAD v4.1: 2 of 1,613,108 alleles (0.00012%); highest among the groups gnomAD compares: East Asian, 0.0045%; no homozygotes.

Submission:

Labcorp Genetics (formerly Invitae), Labcorp
Classification: Likely pathogenic for Fanconi anemia. Last evaluated: 2023-09-21. Review status: criteria provided, single submitter. Criteria: Invitae Variant Classification Sherloc (09022015). Collection method: clinical testing. Allele origin: germline.
Comment: This sequence change affects a donor splice site in intron 26 of the FANCI gene. It is expected to disrupt RNA splicing. Variants that disrupt the donor or acceptor splice site typically lead to a loss of protein function (PMID: 16199547), and loss-of-function variants in FANCI are known to be pathogenic (PMID: 17452773, 17460694). This variant is present in population databases (no rsID available, gnomAD 0.01%). This variant has not been reported in the literature in individuals affected with FANCI-related conditions. Algorithms developed to predict the effect of sequence changes on RNA splicing suggest that this variant may disrupt the consensus splice site. In summary, the currently available evidence indicates that the variant is pathogenic, but additional data are needed to prove that conclusively. Therefore, this variant has been classified as Likely Pathogenic.

Literature cited by the submitters: PubMed 16199547; PubMed 17452773; PubMed 17460694.